The following is an entry in ClinVar:

NM_207341.4(ZP1):c.1138G>A (p.Ala380Thr)

Gene: ZP1 (zona pellucida glycoprotein 1; plus strand). Cytogenetic location: 11q12.2.
Variant type: single nucleotide variant.
Coding change: c.1138G>A on transcript NM_207341.4 (MANE Select); coding-DNA position 1138, G replaced by A.
Protein change: p.Ala380Thr; replaces alanine 380 with threonine.
Molecular consequence: missense variant. On other transcripts: 5 prime UTR variant (1).
Genome position (GRCh38, 1-based): chr11:60,873,187, G>A. VCF-style: chr11-60873187-G-A. GRCh37 (hg19) VCF-style: chr11-60640660-G-A.
Other names: c.259G>A, p.Ala87Thr (NM_001391943.1); c.-57G>A (NM_001391944.1); c.1138G>A (NM_207341.2); short protein forms A380T, A87T.
Identifiers: ClinVar variation 2570799 (VCV002570799.27), dbSNP rs141318014, ClinGen allele CA6027505.
Genomic context (GRCh38, chr11:60,873,187, plus strand): 5'-GTCTTCTCCCCCACCCTCTTGCACGTGGACTTCAGGCTTCATGTGCGCTGTGTCTTCAAC[G>A]CCAGTGACTTCCTGCCCATTCAGGCATCCATTTTCCCACCCCCATCGCCTGCTCCTATGA-3'
Protein context (NP_997224.2, residues 370-390): FQLHVRCVFN[Ala380Thr]SDFLPIQASI

ClinVar aggregate classification (germline): Uncertain significance. Review status: criteria provided, multiple submitters, no conflicts (2 of 4 stars). 2 submissions from 2 submitters: Uncertain significance (2). Last evaluated 2025-10-24.

Conditions:
Inborn genetic diseases. Identifiers: MedGen C0950123, MeSH D030342.

Allele frequency attached by ClinVar (database versions not stated): ESP Exome Variant Server 0.00031; TOPMed 0.00049; ExAC 0.00062; gnomAD 0.00069; 1000 Genomes Project 0.00359; 1000 Genomes Project 30x 0.00359.
gnomAD v4.1: 387 of 1,602,438 alleles (0.024%); highest among the groups gnomAD compares: East Asian, 0.25%; 3 homozygotes.

Submissions (2):

Ambry Genetics
Classification: Uncertain significance for Inborn genetic diseases. Last evaluated: 2025-10-24. Review status: criteria provided, single submitter. Criteria: Ambry Variant Classification Scheme 2023. Collection method: clinical testing. Allele origin: germline.

CeGaT Center for Human Genetics Tuebingen
Classification: Uncertain significance. Last evaluated: 2023-06-01. Review status: criteria provided, single submitter. Criteria: CeGaT Center For Human Genetics Tuebingen Variant Classification Criteria Version 2. Collection method: clinical testing. Allele origin: germline. Affected: yes. Observed: 1 variant allele.
Comment: ZP1: PM2:Supporting, BP4